The following is an entry in ClinVar:

ClinVar aggregate classification (germline): Benign/Likely benign. Review status: criteria provided, multiple submitters, no conflicts (2 of 4 stars). 5 submissions from 5 submitters: Benign (2); Likely benign (2). 1 of the submissions does not count toward it. Last evaluated 2025-11-05.

Conditions:
PDZD7-related disorder. Also called: PDZD7-related condition; PDZD7-related disorders.

Allele frequency attached by ClinVar (database versions not stated): gnomAD 0.00001 and 0.00024; TOPMed 0.00002; 1000 Genomes Project 0.00100; 1000 Genomes Project 30x 0.00141; ExAC 0.00538.
gnomAD v4.1: 572 of 1,517,952 alleles (0.038%); highest among the groups gnomAD compares: South Asian, 0.59%; 3 homozygotes.

Submissions (5):

Labcorp Genetics (formerly Invitae), Labcorp
Classification: Benign. Last evaluated: 2025-11-05. Review status: criteria provided, single submitter. Criteria: Invitae Variant Classification Sherloc (09022015). Collection method: clinical testing. Allele origin: germline.

Blueprint Genetics
Classification: Likely benign. Last evaluated: 2024-10-15. Review status: criteria provided, single submitter. Criteria: ACMG Guidelines, 2015. Collection method: clinical testing. Allele origin: germline.

GeneDx
Classification: Likely benign. Last evaluated: 2019-03-22. Review status: criteria provided, single submitter. Criteria: GeneDx Variant Classification Process June 2021. Collection method: clinical testing. Allele origin: germline. Affected: yes.

Laboratory for Molecular Medicine, Mass General Brigham Personalized Medicine
Classification: Benign. Last evaluated: 2017-08-23. Review status: criteria provided, single submitter. Criteria: LMM Criteria. Collection method: clinical testing. Allele origin: germline. Observed: 2 variant alleles.
Comment: p.Arg744Arg in exon 15 of PDZD7: This variant is not expected to have clinical s ignificance because it does not alter an amino acid residue, is not located with in the splice consensus sequence, and has been identified in 0.83% (26/3148) of South Asian chromosomes by the Exome Aggregation Consortium (ExAC; dbSNP rs565952913).

PreventionGenetics, part of Exact Sciences
Classification: Likely benign for PDZD7-related condition. Last evaluated: 2019-06-04. Review status: no assertion criteria provided. Collection method: clinical testing. Allele origin: germline. Not counted in ClinVar's aggregate classification.
Comment: This variant is classified as likely benign based on ACMG/AMP sequence variant interpretation guidelines (Richards et al. 2015 PMID: 25741868, with internal and published modifications).

NM_001195263.2(PDZD7):c.2230C>A (p.Arg744=)

Gene: PDZD7 (PDZ domain containing 7; minus strand). Cytogenetic location: 10q24.31.
Variant type: single nucleotide variant.
Coding change: c.2230C>A on transcript NM_001195263.2 (MANE Select); coding-DNA position 2230, C replaced by A.
Protein change: p.Arg744=; no amino-acid change (arginine 744 retained).
Molecular consequence: synonymous variant.
Genome position (GRCh38, 1-based): chr10:101,010,659, G>T on the plus strand (C>A on the coding strand, the complement: PDZD7 is on the minus strand). VCF-style: chr10-101010659-G-T. GRCh37 (hg19) VCF-style: chr10-102770416-G-T.
Identifiers: ClinVar variation 666636 (VCV000666636.19), dbSNP rs565952913, ClinGen allele CA5653998.